The following is an entry in ClinVar:

NC_000007.13:g.(?_75932030)_(75933490_?)del

Gene: HSPB1 (heat shock protein family B (small) member 1; plus strand). Cytogenetic location: 7q11.23.
Variant type: Deletion.
Identifiers: ClinVar variation 2424196 (VCV002424196.3).

ClinVar aggregate classification (germline): Uncertain significance (1 of 4 stars; one submission).

Conditions:
Charcot-Marie-Tooth disease axonal type 2F (CMT2F). Also called: CHARCOT-MARIE-TOOTH DISEASE, NEURONAL, TYPE 2F; Charcot-Marie-Tooth Neuropathy Type 2F. Identifiers: Orphanet 99940, MedGen C1847823, MONDO:0011687, OMIM 606595.

Submission:

Labcorp Genetics (formerly Invitae), Labcorp
Classification: Uncertain significance for Charcot-Marie-Tooth disease axonal type 2F. Last evaluated: 2021-08-29. Review status: criteria provided, single submitter. Criteria: Invitae Variant Classification Sherloc (09022015). Collection method: clinical testing. Allele origin: germline.
Comment: A gross deletion of the genomic region encompassing the full coding sequence of the HSPB1 gene has been identified. The current clinical and genetic evidence is not sufficient to establish whether loss-of-function variants in HSPB1 cause disease. The boundaries of this event are unknown as they extend beyond the assayed region for this gene and therefore may encompass additional genes. This variant has not been reported in the literature in individuals affected with HSPB1-related conditions. In summary, the available evidence is currently insufficient to determine the role of this variant in disease. Therefore, it has been classified as a Variant of Uncertain Significance.